The following is an entry in ClinVar:

NM_020297.4(ABCC9):c.4334G>T (p.Gly1445Val)

Genes: ABCC9 (ATP binding cassette subfamily C member 9; minus strand), KCNJ8-AS1 (KCNJ8 antisense RNA 1; plus strand). Cytogenetic location: 12p12.1.
Variant type: single nucleotide variant.
Coding change: c.4334G>T on transcript NM_020297.4 (MANE Select); coding-DNA position 4334, G replaced by T.
Protein change: p.Gly1445Val; replaces glycine 1445 with valine.
Molecular consequence: missense variant.
Genome position (GRCh38, 1-based): chr12:21,807,461, C>A on the plus strand (G>T on the coding strand, the complement: ABCC9 is on the minus strand). VCF-style: chr12-21807461-C-A. GRCh37 (hg19) VCF-style: chr12-21960395-C-A.
Other names: c.4334G>T, p.Gly1445Val (NM_001377273.1, NM_005691.4); c.3467G>T, p.Gly1156Val (NM_001377274.1); short protein forms G1156V, G1445V.
Identifiers: ClinVar variation 5019934 (VCV005019934.2).

ClinVar aggregate classification (germline): Uncertain significance (1 of 4 stars; one submission).

Conditions:
Dilated cardiomyopathy 1O (CMD1O). Also called: CARDIOMYOPATHY, DILATED, WITH VENTRICULAR TACHYCARDIA. Identifiers: Orphanet 154, MedGen C1837839, MONDO:0012062, OMIM 608569.
Atrial fibrillation, familial, 12 (ATFB12). Identifiers: MedGen C3279695, MONDO:0013545, OMIM 614050.
Hypertrichotic osteochondrodysplasia Cantu type. Also called: Cantú Syndrome; Cantu Syndrome. Identifiers: Orphanet 1517, MedGen C0795905, MONDO:0009406, OMIM 239850.
Intellectual disability and myopathy syndrome (IDMYS). Identifiers: MedGen C5676904, MONDO:0859224, OMIM 619719.

Submission:

Juno Genomics, Hangzhou Juno Genomics, Inc
Classification: Uncertain significance for Atrial fibrillation, familial, 12; Dilated cardiomyopathy 1O; Hypertrichotic osteochondrodysplasia Cantu type; Intellectual disability and myopathy syndrome. Review status: criteria provided, single submitter. Criteria: ACMG Guidelines, 2015. Collection method: clinical testing. Allele origin: germline.
Comment: Absent from controls (or at extremely low frequency if recessive) in Genome Aggregation Database.;Multiple lines of computational evidence support a deleterious effect on the gene or gene product.;Missense variant in a gene that has a low rate of benign missense variation.;Located in a mutational hot spot and/or critical and well-established functional domain without benign variation.